The following is an entry in ClinVar:

ClinVar aggregate classification (germline): Uncertain significance. Review status: criteria provided, multiple submitters, no conflicts (2 of 4 stars). 2 submissions from 2 submitters: Uncertain significance (2). Last evaluated 2025-06-09.

Conditions:
Cardiovascular phenotype. Identifiers: MedGen CN230736.

gnomAD v4.1: 2 of 1,613,744 alleles (0.00012%); highest among the groups gnomAD compares: African/African-American, 0.0013%; no homozygotes.

Submissions (2):

Ambry Genetics
Classification: Uncertain significance for Cardiovascular phenotype. Last evaluated: 2025-06-09. Review status: criteria provided, single submitter. Criteria: Ambry Variant Classification Scheme 2023. Collection method: clinical testing. Allele origin: germline.
Comment: The p.Q665H variant (also known as c.1995G>C), located in coding exon 10 of the MYPN gene, results from a G to C substitution at nucleotide position 1995. The glutamine at codon 665 is replaced by histidine, an amino acid with highly similar properties. This amino acid position is highly conserved in available vertebrate species. In addition, the in silico prediction for this alteration is inconclusive. Since supporting evidence is limited at this time, the clinical significance of this alteration remains unclear.

GeneDx
Classification: Uncertain significance. Last evaluated: 2019-04-25. Review status: criteria provided, single submitter. Criteria: GeneDx Variant Classification Process June 2021. Collection method: clinical testing. Allele origin: germline. Affected: yes.
Comment: Not observed in large population cohorts (Lek et al., 2016); In silico analysis, which includes protein predictors and evolutionary conservation, supports that this variant does not alter protein structure/function; Has not been previously published as pathogenic or benign to our knowledge

NM_032578.4(MYPN):c.1995G>C (p.Gln665His)

Gene: MYPN (myopalladin; plus strand). Cytogenetic location: 10q21.3.
Variant type: single nucleotide variant.
Coding change: c.1995G>C on transcript NM_032578.4 (MANE Select); coding-DNA position 1995, G replaced by C.
Protein change: p.Gln665His; replaces glutamine 665 with histidine.
Molecular consequence: missense variant. On other transcripts: non-coding transcript variant (2).
Genome position (GRCh38, 1-based): chr10:68,174,087, G>C. VCF-style: chr10-68174087-G-C. GRCh37 (hg19) VCF-style: chr10-69933844-G-C.
Other names: c.1995G>C, p.Gln665His (NM_001256267.2); c.1113G>C, p.Gln371His (NM_001256268.2); short protein forms Q371H, Q665H.
Identifiers: ClinVar variation 1305458 (VCV001305458.5), dbSNP rs753544126, ClinGen allele CA376843210.